The following is an entry in ClinVar:

ClinVar aggregate classification (germline): Uncertain significance (1 of 4 stars; one submission).

Submission:

Ambry Genetics
Classification: Uncertain significance. Last evaluated: 2025-04-19. Review status: criteria provided, single submitter. Criteria: Ambry Variant Classification Scheme 2023. Collection method: clinical testing. Allele origin: germline.
Comment: The p.P599T variant (also known as c.1795C>A), located in coding exon 9 of the ATRIP gene, results from a C to A substitution at nucleotide position 1795. The proline at codon 599 is replaced by threonine, an amino acid with highly similar properties. This amino acid position is conserved. In addition, this alteration is predicted to be tolerated by in silico analysis. Based on the available evidence, the clinical significance of this variant remains unclear.

NM_130384.3(ATRIP):c.1795C>A (p.Pro599Thr)

Genes: ATRIP (ATR interacting protein; plus strand), ATRIP-TREX1 (ATRIP-TREX1 readthrough; plus strand). Cytogenetic location: 3p21.31.
Variant type: single nucleotide variant.
Coding change: c.1795C>A on transcript NM_130384.3 (MANE Select); coding-DNA position 1795, C replaced by A.
Protein change: p.Pro599Thr; replaces proline 599 with threonine.
Molecular consequence: missense variant. On other transcripts: non-coding transcript variant (1).
Genome position (GRCh38, 1-based): chr3:48,463,794, C>A. VCF-style: chr3-48463794-C-A. GRCh37 (hg19) VCF-style: chr3-48505193-C-A.
Other names: c.1414C>A, p.Pro472Thr (NM_001271022.2); c.1516C>A, p.Pro506Thr (NM_001271023.2); c.1795C>A, p.Pro599Thr (NM_032166.4); short protein forms P506T, P472T, P599T.
Identifiers: ClinVar variation 3976267 (VCV003976267.1).
Genomic context (GRCh38, chr3:48,463,794, plus strand): 5'-CTGTCTTTTAGGTTCCAGTGTGTGTTCCAAGTGCTGCCAAAGTGCCTCAGCCCAGAGACA[C>A]CCCTGCCTAGCGTGCTGCTGGCTGTTGAGCTCCTCTCCCTGCTGGCGGACCACGACCAGC-3'
Protein context (NP_569055.1, residues 589-609): VLPKCLSPET[Pro599Thr]LPSVLLAVEL